The following is an entry in ClinVar:

ClinVar aggregate classification (germline): Uncertain significance (1 of 4 stars; one submission).

Conditions:
Intellectual developmental disorder, X-linked 1. Also called: Atkin Flaitz Patil Smith syndrome; MENTAL RETARDATION, X-LINKED 18; MENTAL RETARDATION, X-LINKED 78; Intellectual disability, X-linked 1. Identifiers: Orphanet 777, MedGen C2931498, MONDO:0010656, OMIM 309530.

Submission:

Labcorp Genetics (formerly Invitae), Labcorp
Classification: Uncertain significance for Intellectual developmental disorder, X-linked 1. Last evaluated: 2024-04-08. Review status: criteria provided, single submitter. Criteria: Invitae Variant Classification Sherloc (09022015). Collection method: clinical testing. Allele origin: germline.
Comment: This sequence change replaces proline, which is neutral and non-polar, with leucine, which is neutral and non-polar, at codon 276 of the IQSEC2 protein (p.Pro276Leu). This variant is not present in population databases (gnomAD no frequency). This variant has not been reported in the literature in individuals affected with IQSEC2-related conditions. Advanced modeling of protein sequence and biophysical properties (such as structural, functional, and spatial information, amino acid conservation, physicochemical variation, residue mobility, and thermodynamic stability) performed at Invitae indicates that this missense variant is not expected to disrupt IQSEC2 protein function with a negative predictive value of 95%. In summary, the available evidence is currently insufficient to determine the role of this variant in disease. Therefore, it has been classified as a Variant of Uncertain Significance.

NM_001111125.3(IQSEC2):c.827C>T (p.Pro276Leu)

Gene: IQSEC2 (IQ motif and Sec7 domain ArfGEF 2; minus strand). Cytogenetic location: Xp11.22.
Variant type: single nucleotide variant.
Coding change: c.827C>T on transcript NM_001111125.3 (MANE Select); coding-DNA position 827, C replaced by T.
Protein change: p.Pro276Leu; replaces proline 276 with leucine.
Molecular consequence: missense variant.
Genome position (GRCh38, 1-based): chrX:53,255,972, G>A on the plus strand (C>T on the coding strand, the complement: IQSEC2 is on the minus strand). VCF-style: chrX-53255972-G-A. GRCh37 (hg19) VCF-style: chrX-53285154-G-A.
Other names: c.827C>T, p.Pro276Leu (NM_001410736.1); c.212C>T, p.Pro71Leu (NM_015075.2); short protein forms P71L, P276L.
Identifiers: ClinVar variation 3730414 (VCV003730414.2).
Genomic context (GRCh38, chrX:53,255,972, plus strand): 5'-GCCCGCTGAGCCCAGGGAAGGCCCACTCCAGCAGGGGGGCCCCCCATGTGGCTGCTGGAG[G>A]GGGGCAGCTGGCTCAGCCGGTAGGGGGGTTGGCTCCCAGGACTATCAACCGCTGTGCTCA-3'
Protein context (NP_001104595.1, residues 266-286): QPPYRLSQLP[Pro276Leu]SSSHMGGPPA